The following is an entry in ClinVar:

ClinVar aggregate classification (germline): Uncertain significance (1 of 4 stars; one submission).

Conditions:
SEMA3E-related disorder. Also called: SEMA3E-related condition.

Submission:

PreventionGenetics, part of Exact Sciences
Classification: Uncertain significance for SEMA3E-related condition. Last evaluated: 2026-08-01. Review status: criteria provided, single submitter. Criteria: ACMG Guidelines, 2015. Collection method: clinical testing. Allele origin: germline.
Comment: The SEMA3E c.521C>T variant is predicted to result in the amino acid substitution p.Pro174Leu. To our knowledge, this variant has not been reported in the literature or in a large population database (gnomAD), indicating this variant is rare. At this time, the clinical significance of this variant is uncertain due to the absence of conclusive functional and genetic evidence.

NM_012431.3(SEMA3E):c.521C>T (p.Pro174Leu)

Gene: SEMA3E (semaphorin 3E; minus strand). Cytogenetic location: 7q21.11.
Variant type: single nucleotide variant.
Coding change: c.521C>T on transcript NM_012431.3 (MANE Select); coding-DNA position 521, C replaced by T.
Protein change: p.Pro174Leu; replaces proline 174 with leucine.
Molecular consequence: missense variant.
Genome position (GRCh38, 1-based): chr7:83,418,419, G>A on the plus strand (C>T on the coding strand, the complement: SEMA3E is on the minus strand). VCF-style: chr7-83418419-G-A. GRCh37 (hg19) VCF-style: chr7-83047735-G-A.
Other names: c.341C>T, p.Pro114Leu (NM_001178129.2); short protein forms P114L, P174L.
Identifiers: ClinVar variation 4995294 (VCV004995294.1).